The following is an entry in ClinVar:

NM_025099.6(CTC1):c.2071C>T (p.Gln691Ter)

Gene: CTC1 (CST telomere replication complex component 1; minus strand). Cytogenetic location: 17p13.1.
Variant type: single nucleotide variant.
Coding change: c.2071C>T on transcript NM_025099.6 (MANE Select); coding-DNA position 2071, C replaced by T.
Protein change: p.Gln691Ter; replaces glutamine 691 with a stop codon.
Molecular consequence: nonsense. On other transcripts: non-coding transcript variant (1).
Genome position (GRCh38, 1-based): chr17:8,232,217, G>A on the plus strand (C>T on the coding strand, the complement: CTC1 is on the minus strand). VCF-style: chr17-8232217-G-A. GRCh37 (hg19) VCF-style: chr17-8135535-G-A.
Other names: c.2071C>T, p.Gln691Ter (NM_001411067.1); short protein forms Q691*.
Identifiers: ClinVar variation 2053060 (VCV002053060.4), dbSNP rs367943020, ClinGen allele CA8372166.

ClinVar aggregate classification (germline): Pathogenic (1 of 4 stars; one submission).

Conditions:
Dyskeratosis congenita. Identifiers: Orphanet 1775, MedGen C0265965, MONDO:0015780.

Allele frequency attached by ClinVar (database versions not stated): gnomAD exomes 0.00001; ExAC 0.00002; ESP Exome Variant Server 0.00008.
gnomAD v4.1: 3 of 1,531,062 alleles (0.0002%); highest among the groups gnomAD compares: East Asian, 0.0023%; no homozygotes.

Submission:

Labcorp Genetics (formerly Invitae), Labcorp
Classification: Pathogenic for Dyskeratosis congenita. Last evaluated: 2025-09-15. Review status: criteria provided, single submitter. Criteria: Invitae Variant Classification Sherloc (09022015). Collection method: clinical testing. Allele origin: germline.
Comment: This sequence change creates a premature translational stop signal (p.Gln691*) in the CTC1 gene. It is expected to result in an absent or disrupted protein product. Loss-of-function variants in CTC1 are known to be pathogenic (PMID: 22267198, 22387016). The frequency data for this variant in the population databases is considered unreliable, as metrics indicate poor data quality at this position in the gnomAD database. This variant has not been reported in the literature in individuals affected with CTC1-related conditions. ClinVar contains an entry for this variant (Variation ID: 2053060). For these reasons, this variant has been classified as Pathogenic.

Literature cited by the submitters: PubMed 22267198; PubMed 22387016.